The following is an entry in ClinVar:

ClinVar aggregate classification (germline): Conflicting classifications of pathogenicity. Review status: criteria provided, conflicting classifications (1 of 4 stars). 2 submissions from 2 submitters: Uncertain significance (1); Likely benign (1). Last evaluated 2026-08-01.

Conditions:
Early-infantile DEE. Also called: Early infantile epileptic encephalopathy with suppression bursts; Early infantile epileptic encephalopathy; Ohtahara syndrome. Identifiers: Orphanet 1934, MedGen C0393706, MONDO:0800491.

Allele frequency attached by ClinVar (database versions not stated): gnomAD exomes below 0.00001.
gnomAD v4.1: 1 of 1,613,906 alleles (0.000062%); highest among the groups gnomAD compares: Admixed American, 0.0017%; no homozygotes.

Submissions (2):

CeGaT Center for Human Genetics Tuebingen
Classification: Uncertain significance. Last evaluated: 2026-08-01. Review status: criteria provided, single submitter. Criteria: CeGaT Center For Human Genetics Tuebingen Variant Classification Criteria Version 2. Collection method: clinical testing. Allele origin: germline. Affected: yes. Observed: 2 variant alleles.
Comment: SCN1A: PM2:Supporting, BP4

Labcorp Genetics (formerly Invitae), Labcorp
Classification: Likely benign for Early-infantile DEE. Last evaluated: 2024-03-04. Review status: criteria provided, single submitter. Criteria: Invitae Variant Classification Sherloc (09022015). Collection method: clinical testing. Allele origin: germline.

NM_001165963.4(SCN1A):c.1240C>T (p.Leu414=)

Gene: SCN1A (sodium voltage-gated channel alpha subunit 1; minus strand). Cytogenetic location: 2q24.3.
Variant type: single nucleotide variant.
Coding change: c.1240C>T on transcript NM_001165963.4 (MANE Select); coding-DNA position 1240, C replaced by T.
Protein change: p.Leu414=; no amino-acid change (leucine 414 retained).
Molecular consequence: synonymous variant. On other transcripts: 5 prime UTR variant (1), non-coding transcript variant (1).
Genome position (GRCh38, 1-based): chr2:166,046,907, G>A on the plus strand (C>T on the coding strand, the complement: SCN1A is on the minus strand). VCF-style: chr2-166046907-G-A. GRCh37 (hg19) VCF-style: chr2-166903417-G-A.
Other names: c.1240C>T, p.Leu414= (NM_001165964.3, NM_001202435.3, NM_001353948.2 and 10 more transcripts); c.-1186C>T (NM_001353961.2).
Identifiers: ClinVar variation 1615468 (VCV001615468.10), dbSNP rs1330025518, ClinGen allele CA429903001.
Genomic context (GRCh38, chr2:166,046,907, plus strand): 5'-AGGTGGCCTGATTCTGTTCCTCGTAGGCCATGGCCACCACAGCCAGGATCAAATTTATTA[G>A]GTAGAATGAGCCCAAGAAAATGACCAATACAAAAAATATCATGTACGTTTTCCCAGCAGC-3'
Protein context (NP_001159435.1, residues 404-424): VLVIFLGSFY[Leu414=]INLILAVVAM